The following is an entry in ClinVar:

NM_002880.4(RAF1):c.896A>G (p.Asn299Ser)

Gene: RAF1 (Raf-1 proto-oncogene, serine/threonine kinase; minus strand). Cytogenetic location: 3p25.2.
Variant type: single nucleotide variant.
Coding change: c.896A>G on transcript NM_002880.4 (MANE Select); coding-DNA position 896, A replaced by G.
Protein change: p.Asn299Ser; replaces asparagine 299 with serine.
Molecular consequence: missense variant. On other transcripts: non-coding transcript variant (3).
Genome position (GRCh38, 1-based): chr3:12,600,246, T>C on the plus strand (A>G on the coding strand, the complement: RAF1 is on the minus strand). VCF-style: chr3-12600246-T-C. GRCh37 (hg19) VCF-style: chr3-12641745-T-C.
Other names: c.956A>G, p.Asn319Ser (NM_001354689.3); c.896A>G, p.Asn299Ser (NM_001354690.3); c.653A>G, p.Asn218Ser (NM_001354691.3, NM_001354692.3); c.797A>G, p.Asn266Ser (NM_001354693.3); c.713A>G, p.Asn238Ser (NM_001354694.3); c.554A>G, p.Asn185Ser (NM_001354695.3); short protein forms N319S, N185S, N218S, N266S, N238S, N299S.
Identifiers: ClinVar variation 2162902 (VCV002162902.6), dbSNP rs866428774, ClinGen allele CA69616868.

ClinVar aggregate classification (germline): Uncertain significance. Review status: criteria provided, multiple submitters, no conflicts (2 of 4 stars). 3 submissions from 3 submitters: Uncertain significance (3). Last evaluated 2025-04-09.

Conditions:
Cardiovascular phenotype. Identifiers: MedGen CN230736.
RASopathy. Also called: rasopathies; Noonan spectrum disorder. Identifiers: Orphanet 536391, MedGen C5555857, MONDO:0021060.

gnomAD v4.1: 1 of 1,614,160 alleles (0.000062%); highest among the groups gnomAD compares: South Asian, 0.0011%; no homozygotes.

Submissions (3):

Molecular Diagnostic Laboratory for Inherited Cardiovascular Disease, Montreal Heart Institute
Classification: Uncertain significance for Cardiovascular phenotype. Last evaluated: 2025-04-09. Review status: criteria provided, single submitter. Criteria: ACMG Guidelines, 2015. Collection method: clinical testing. Allele origin: germline. Affected: yes.

Labcorp Genetics (formerly Invitae), Labcorp
Classification: Uncertain significance for RASopathy. Last evaluated: 2022-01-14. Review status: criteria provided, single submitter. Criteria: Invitae Variant Classification Sherloc (09022015). Collection method: clinical testing. Allele origin: germline.
Comment: In summary, the available evidence is currently insufficient to determine the role of this variant in disease. Therefore, it has been classified as a Variant of Uncertain Significance. Advanced modeling of protein sequence and biophysical properties (such as structural, functional, and spatial information, amino acid conservation, physicochemical variation, residue mobility, and thermodynamic stability) performed at Invitae indicates that this missense variant is not expected to disrupt RAF1 protein function. This variant has not been reported in the literature in individuals affected with RAF1-related conditions. This variant is not present in population databases (gnomAD no frequency). This sequence change replaces asparagine, which is neutral and polar, with serine, which is neutral and polar, at codon 299 of the RAF1 protein (p.Asn299Ser).

Blueprint Genetics
Classification: Uncertain significance. Last evaluated: 2021-09-24. Review status: criteria provided, single submitter. Criteria: ACMG Guidelines, 2015. Collection method: clinical testing. Allele origin: germline.